The following is an entry in ClinVar:

NC_000001.10:g.(?_955553)_(957862_?)dup

Gene: AGRN (agrin; plus strand). Cytogenetic location: 1p36.33.
Variant type: Duplication.
Identifiers: ClinVar variation 2427660 (VCV002427660.3).

ClinVar aggregate classification (germline): Uncertain significance (1 of 4 stars; one submission).

Conditions:
Congenital myasthenic syndrome 8. Also called: MYASTHENIC SYNDROME, CONGENITAL, DUE TO AGRIN DEFICIENCY; Myasthenic syndrome, congenital, 8, with pre- and postsynaptic defects. Identifiers: Orphanet 590, MedGen C3808739, MONDO:0014052, OMIM 615120.

Submission:

Labcorp Genetics (formerly Invitae), Labcorp
Classification: Uncertain significance for Congenital myasthenic syndrome 8. Last evaluated: 2022-08-31. Review status: criteria provided, single submitter. Criteria: Invitae Variant Classification Sherloc (09022015). Collection method: clinical testing. Allele origin: germline.
Comment: This variant results in a copy number gain of the genomic region encompassing exon(s) 1-2 of the AGRN gene. This region includes the initiator codon of the gene. This copy number gain extends beyond the assayed region for this gene and therefore may encompass additional genes. As the precise location of this event is unknown, it may be in tandem or it may be located elsewhere in the genome. This variant has not been reported in the literature in individuals affected with AGRN-related conditions. Experimental studies and prediction algorithms are not available or were not evaluated, and the functional significance of this variant is currently unknown. In summary, the available evidence is currently insufficient to determine the role of this variant in disease. Therefore, it has been classified as a Variant of Uncertain Significance.